The following is an entry in ClinVar:

ClinVar aggregate classification (germline): Uncertain significance (1 of 4 stars; one submission).

Submission:

CeGaT Center for Human Genetics Tuebingen
Classification: Uncertain significance. Last evaluated: 2026-02-01. Review status: criteria provided, single submitter. Criteria: CeGaT Center For Human Genetics Tuebingen Variant Classification Criteria Version 2. Collection method: clinical testing. Allele origin: germline. Affected: yes. Observed: 1 variant allele.
Comment: DNM2: PM2, PP2

NM_001005361.3(DNM2):c.1161G>C (p.Glu387Asp)

Gene: DNM2 (dynamin 2; plus strand). Cytogenetic location: 19p13.2.
Variant type: single nucleotide variant.
Coding change: c.1161G>C on transcript NM_001005361.3 (MANE Select); coding-DNA position 1161, G replaced by C.
Protein change: p.Glu387Asp; replaces glutamic acid 387 with aspartic acid.
Molecular consequence: missense variant.
Genome position (GRCh38, 1-based): chr19:10,795,404, G>C. VCF-style: chr19-10795404-G-C. GRCh37 (hg19) VCF-style: chr19-10906080-G-C.
Other names: c.1161G>C, p.Glu387Asp (NM_001005360.3, NM_001005362.3, NM_001190716.2 and 1 more transcripts); short protein forms E387D.
Identifiers: ClinVar variation 4823445 (VCV004823445.4).